The following is an entry in ClinVar:

ClinVar aggregate classification (germline): Uncertain significance. Review status: criteria provided, multiple submitters, no conflicts (2 of 4 stars). 3 submissions from 3 submitters: Uncertain significance (3). Last evaluated 2026-03-08.

Conditions:
Inborn genetic diseases. Identifiers: MedGen C0950123, MeSH D030342.
Kabuki syndrome. Also called: Kabuki make-up syndrome; NIIKAWA-KUROKI SYNDROME. Identifiers: Orphanet 2322, MedGen C0796004, MONDO:0016512.
KMT2D-related disorder. Also called: KMT2D-Related Disorders.

Submissions (3):

PreventionGenetics, part of Exact Sciences
Classification: Uncertain significance for KMT2D-related condition. Last evaluated: 2026-03-08. Review status: criteria provided, single submitter. Criteria: ACMG Guidelines, 2015. Collection method: clinical testing. Allele origin: germline.
Comment: The KMT2D c.2368C>G variant is predicted to result in the amino acid substitution p.Pro790Ala. To our knowledge, this variant has not been reported in the literature or in a large population database (gnomAD), indicating this variant is rare. At this time, the clinical significance of this variant is uncertain due to the absence of conclusive functional and genetic evidence.

Ambry Genetics
Classification: Uncertain significance for Inborn genetic diseases. Last evaluated: 2025-12-16. Review status: criteria provided, single submitter. Criteria: Ambry Variant Classification Scheme 2023. Collection method: clinical testing. Allele origin: germline.

Labcorp Genetics (formerly Invitae), Labcorp
Classification: Uncertain significance for Kabuki syndrome. Last evaluated: 2025-05-30. Review status: criteria provided, single submitter. Criteria: Invitae Variant Classification Sherloc (09022015). Collection method: clinical testing. Allele origin: germline.
Comment: This sequence change replaces proline, which is neutral and non-polar, with alanine, which is neutral and non-polar, at codon 790 of the KMT2D protein (p.Pro790Ala). This variant is not present in population databases (gnomAD no frequency). This variant has not been reported in the literature in individuals affected with KMT2D-related conditions. ClinVar contains an entry for this variant (Variation ID: 3714020). Invitae Evidence Modeling of protein sequence and biophysical properties (such as structural, functional, and spatial information, amino acid conservation, physicochemical variation, residue mobility, and thermodynamic stability) indicates that this missense variant is not expected to disrupt KMT2D protein function with a negative predictive value of 95%. In summary, the available evidence is currently insufficient to determine the role of this variant in disease. Therefore, it has been classified as a Variant of Uncertain Significance.

NM_003482.4(KMT2D):c.2368C>G (p.Pro790Ala)

Gene: KMT2D (lysine methyltransferase 2D; minus strand). Cytogenetic location: 12q13.12.
Variant type: single nucleotide variant.
Coding change: c.2368C>G on transcript NM_003482.4 (MANE Select); coding-DNA position 2368, C replaced by G.
Protein change: p.Pro790Ala; replaces proline 790 with alanine.
Molecular consequence: missense variant.
Genome position (GRCh38, 1-based): chr12:49,051,315, G>C on the plus strand (C>G on the coding strand, the complement: KMT2D is on the minus strand). VCF-style: chr12-49051315-G-C. GRCh37 (hg19) VCF-style: chr12-49445098-G-C.
Other names: short protein forms P790A.
Identifiers: ClinVar variation 3714020 (VCV003714020.4).